The following is an entry in ClinVar:

NM_020207.7(ERCC6L2):c.142G>T (p.Gly48Cys)

Gene: ERCC6L2 (ERCC excision repair 6 like 2; plus strand). Cytogenetic location: 9q22.32.
Variant type: single nucleotide variant.
Coding change: c.142G>T on transcript NM_020207.7 (MANE Select); coding-DNA position 142, G replaced by T.
Protein change: p.Gly48Cys; replaces glycine 48 with cysteine.
Molecular consequence: missense variant. On other transcripts: non-coding transcript variant (1).
Genome position (GRCh38, 1-based): chr9:95,880,964, G>T. VCF-style: chr9-95880964-G-T. GRCh37 (hg19) VCF-style: chr9-98643246-G-T.
Other names: c.142G>T, p.Gly48Cys (NM_001010895.4, NM_001375291.1, NM_001375292.1 and 2 more transcripts); short protein forms G48C.
Identifiers: ClinVar variation 4825638 (VCV004825638.1).
Genomic context (GRCh38, chr9:95,880,964, plus strand): 5'-TCTCCAGATAATGGAAAACTTTGTGAAGCAAGCATAAAATCTATCACAGTGGATGAAAAT[G>T]GCAAGTCATTTGCAGTCGTCTTATATGCAGATTTTCAAGAAAGGAAAATACCTCTTAAAC-3'
Protein context (NP_064592.3, residues 38-58): SIKSITVDEN[Gly48Cys]KSFAVVLYAD

ClinVar aggregate classification (germline): Uncertain significance (1 of 4 stars; one submission).

Conditions:
Inborn genetic diseases. Identifiers: MedGen C0950123, MeSH D030342.

Submission:

Ambry Genetics
Classification: Uncertain significance for Inborn genetic diseases. Last evaluated: 2026-01-17. Review status: criteria provided, single submitter. Criteria: Ambry Variant Classification Scheme 2023. Collection method: clinical testing. Allele origin: germline.
Comment: The p.G48C variant (also known as c.142G>T), located in coding exon 2 of the ERCC6L2 gene, results from a G to T substitution at nucleotide position 142. The glycine at codon 48 is replaced by cysteine, an amino acid with highly dissimilar properties. This amino acid position is conserved. In addition, this alteration is predicted to be deleterious by in silico analysis. Based on the available evidence, the clinical significance of this variant remains unclear.